The following is an entry in ClinVar:

NM_006849.4(PDIA2):c.1391_1392del (p.Leu464fs)

Gene: PDIA2 (protein disulfide isomerase family A member 2; plus strand). Cytogenetic location: 16p13.3.
Variant type: Microsatellite.
Coding change: c.1391_1392del on transcript NM_006849.4 (MANE Select); coding-DNA positions 1391 to 1392, 2 bases deleted (TC; older notation c.1391_1392delTC).
Protein change: p.Leu464fs; shifts the reading frame from leucine 464.
Molecular consequence: frameshift variant.
Genome position (GRCh38, 1-based): chr16:286,704-286,705, TC deleted; deleting any 2 consecutive bases within chr16:286,701-286,705 gives the same sequence; the c. name uses the placement nearest the transcript's 3' end. VCF-style (leftmost placement, unchanged base first): chr16-286700-ACT-A. GRCh37 (hg19) VCF-style: chr16-336700-ACT-A.
Other names: short protein forms L464fs.
Identifiers: ClinVar variation 2645783 (VCV002645783.24), dbSNP rs201624048, ClinGen allele CA7773513.

ClinVar aggregate classification (germline): Likely benign (1 of 4 stars; one submission).

Submission:

CeGaT Center for Human Genetics Tuebingen
Classification: Likely benign. Last evaluated: 2026-01-01. Review status: criteria provided, single submitter. Criteria: CeGaT Center For Human Genetics Tuebingen Variant Classification Criteria Version 2. Collection method: clinical testing. Allele origin: germline. Affected: yes. Observed: 6 variant alleles.
Comment: PDIA2: BS2